The following is an entry in ClinVar:

ClinVar aggregate classification (germline): Likely benign (1 of 4 stars; one submission).

Allele frequency attached by ClinVar (database versions not stated): TOPMed 0.00021; ESP Exome Variant Server 0.00044; 1000 Genomes Project 30x 0.00141; gnomAD exomes 0.00143; 1000 Genomes Project 0.00180; gnomAD 0.00320; ExAC 0.00357.

Submission:

CeGaT Center for Human Genetics Tuebingen
Classification: Likely benign. Last evaluated: 2022-10-01. Review status: criteria provided, single submitter. Criteria: CeGaT Center For Human Genetics Tuebingen Variant Classification Criteria Version 2. Collection method: clinical testing. Allele origin: germline. Affected: yes. Observed: 1 variant allele.
Comment: ZNF541: BP4, BP7

NM_001277075.3(ZNF541):c.2475C>T (p.Asn825=)

Gene: ZNF541 (zinc finger protein 541; minus strand). Cytogenetic location: 19q13.33.
Variant type: single nucleotide variant.
Coding change: c.2475C>T on transcript NM_001277075.3 (MANE Select); coding-DNA position 2475, C replaced by T.
Protein change: p.Asn825=; no amino-acid change (asparagine 825 retained).
Molecular consequence: synonymous variant.
Genome position (GRCh38, 1-based): chr19:47,540,323, G>A on the plus strand (C>T on the coding strand, the complement: ZNF541 is on the minus strand). VCF-style: chr19-47540323-G-A. GRCh37 (hg19) VCF-style: chr19-48043580-G-A.
Identifiers: ClinVar variation 2650156 (VCV002650156.24), dbSNP rs146851053, ClinGen allele CA9541282.